The following is an entry in ClinVar:

NM_003924.4(PHOX2B):c.268G>T (p.Gly90Cys)

Gene: PHOX2B (paired like homeobox 2B; minus strand). Cytogenetic location: 4p13.
Variant type: single nucleotide variant.
Coding change: c.268G>T on transcript NM_003924.4 (MANE Select); coding-DNA position 268, G replaced by T.
Protein change: p.Gly90Cys; replaces glycine 90 with cysteine.
Molecular consequence: missense variant.
Genome position (GRCh38, 1-based): chr4:41,747,510, C>A on the plus strand (G>T on the coding strand, the complement: PHOX2B is on the minus strand). VCF-style: chr4-41747510-C-A. GRCh37 (hg19) VCF-style: chr4-41749527-C-A.
Other names: short protein forms G90C.
Identifiers: ClinVar variation 2758676 (VCV002758676.4), dbSNP rs528408156, ClinGen allele CA95829157.

ClinVar aggregate classification (germline): Uncertain significance. Review status: criteria provided, multiple submitters, no conflicts (2 of 4 stars). 2 submissions from 2 submitters: Uncertain significance (2). Last evaluated 2026-04-19.

Conditions:
Hereditary cancer-predisposing syndrome. Also called: Tumor predisposition; Hereditary neoplastic syndrome; Neoplastic Syndromes, Hereditary; Hereditary Cancer Syndrome. Identifiers: Orphanet 140162, MedGen C0027672, MeSH D009386, MONDO:0015356.
Haddad syndrome (OHD). Also called: Ondine-Hirschsprung disease. Identifiers: Orphanet 99803, MedGen C1859049, MONDO:0020493.

Submissions (2):

Ambry Genetics
Classification: Uncertain significance for Hereditary cancer-predisposing syndrome. Last evaluated: 2026-04-19. Review status: criteria provided, single submitter. Criteria: Ambry Variant Classification Scheme 2023. Collection method: clinical testing. Allele origin: germline.
Comment: The p.G90C variant (also known as c.268G>T), located in coding exon 2 of the PHOX2B gene, results from a G to T substitution at nucleotide position 268. The glycine at codon 90 is replaced by cysteine, an amino acid with highly dissimilar properties. This amino acid position is conserved. In addition, the in silico prediction for this alteration is inconclusive. Based on the available evidence, the clinical significance of this variant remains unclear.

Labcorp Genetics (formerly Invitae), Labcorp
Classification: Uncertain significance for Haddad syndrome. Last evaluated: 2023-09-06. Review status: criteria provided, single submitter. Criteria: Invitae Variant Classification Sherloc (09022015). Collection method: clinical testing. Allele origin: germline.
Comment: In summary, the available evidence is currently insufficient to determine the role of this variant in disease. Therefore, it has been classified as a Variant of Uncertain Significance. Advanced modeling of protein sequence and biophysical properties (such as structural, functional, and spatial information, amino acid conservation, physicochemical variation, residue mobility, and thermodynamic stability) performed at Invitae indicates that this missense variant is not expected to disrupt PHOX2B protein function. This variant has not been reported in the literature in individuals affected with PHOX2B-related conditions. This variant is not present in population databases (gnomAD no frequency). This sequence change replaces glycine, which is neutral and non-polar, with cysteine, which is neutral and slightly polar, at codon 90 of the PHOX2B protein (p.Gly90Cys).